The following is an entry in ClinVar:

ClinVar aggregate classification (germline): Uncertain significance. Review status: criteria provided, multiple submitters, no conflicts (2 of 4 stars). 2 submissions from 2 submitters: Uncertain significance (2). Last evaluated 2025-02-12.

Conditions:
Hereditary cancer-predisposing syndrome. Also called: Neoplastic Syndromes, Hereditary; Hereditary neoplastic syndrome; Tumor predisposition; Hereditary Cancer Syndrome. Identifiers: Orphanet 140162, MedGen C0027672, MeSH D009386, MONDO:0015356.
Hereditary pheochromocytoma and paraganglioma. Also called: Hereditary Paraganglioma-Pheochromocytoma Syndromes; Hereditary paragangliomas and pheochromocytomas; Hereditary pheochromocytoma-paraganglioma. Identifiers: Orphanet 29072, MedGen C4274332, MONDO:0017366.

Allele frequency attached by ClinVar (database versions not stated): gnomAD exomes below 0.00001.
gnomAD v4.1: 2 of 1,613,964 alleles (0.00012%); highest among the groups gnomAD compares: Non-Finnish European, 0.00017%; no homozygotes.

Submissions (2):

Labcorp Genetics (formerly Invitae), Labcorp
Classification: Uncertain significance for Hereditary pheochromocytoma and paraganglioma. Last evaluated: 2025-02-12. Review status: criteria provided, single submitter. Criteria: Invitae Variant Classification Sherloc (09022015). Collection method: clinical testing. Allele origin: germline.
Comment: This sequence change replaces asparagine, which is neutral and polar, with serine, which is neutral and polar, at codon 120 of the MAX protein (p.Asn120Ser). This variant is not present in population databases (gnomAD no frequency). This variant has not been reported in the literature in individuals affected with MAX-related conditions. ClinVar contains an entry for this variant (Variation ID: 463807). Invitae Evidence Modeling incorporating data from in vitro experimental studies (internal data) indicates that this missense variant is not expected to disrupt MAX function with a negative predictive value of 95%. In summary, the available evidence is currently insufficient to determine the role of this variant in disease. Therefore, it has been classified as a Variant of Uncertain Significance.

Ambry Genetics
Classification: Uncertain significance for Hereditary cancer-predisposing syndrome. Last evaluated: 2023-08-18. Review status: criteria provided, single submitter. Criteria: Ambry Variant Classification Scheme 2023. Collection method: clinical testing. Allele origin: germline.
Comment: The p.N120S variant (also known as c.359A>G), located in coding exon 5 of the MAX gene, results from an A to G substitution at nucleotide position 359. The asparagine at codon 120 is replaced by serine, an amino acid with highly similar properties. This amino acid position is poorly conserved in available vertebrate species. In addition, this alteration is predicted to be tolerated by in silico analysis. Since supporting evidence is limited at this time, the clinical significance of this alteration remains unclear.

NM_002382.5(MAX):c.359A>G (p.Asn120Ser)

Gene: MAX (MYC associated transcriptional regulator X; minus strand). Cytogenetic location: 14q23.3.
Variant type: single nucleotide variant.
Coding change: c.359A>G on transcript NM_002382.5 (MANE Select); coding-DNA position 359, A replaced by G.
Protein change: p.Asn120Ser; replaces asparagine 120 with serine.
Molecular consequence: missense variant. On other transcripts: 3 prime UTR variant (1), intron variant (2).
Genome position (GRCh38, 1-based): chr14:65,076,600, T>C on the plus strand (A>G on the coding strand, the complement: MAX is on the minus strand). VCF-style: chr14-65076600-T-C. GRCh37 (hg19) VCF-style: chr14-65543318-T-C.
Other names: c.170A>G, p.Asn57Ser (NM_001320415.2, NM_001407105.1, NM_001407106.1 and 1 more transcripts); c.359A>G, p.Asn120Ser (NM_001407094.1); c.332A>G, p.Asn111Ser (NM_001407095.1, NM_145112.3); c.*132A>G (NM_001407096.1, NM_001407099.1, NM_001407102.1 and 2 more transcripts); c.*148A>G (NM_001407097.1, NM_001407100.1, NM_001407101.1 and 4 more transcripts); c.251A>G, p.Asn84Ser (NM_001407098.1); c.158A>G, p.Asn53Ser (NM_001407111.1, NM_001407112.1); c.144+17108A>G (NM_001271069.2); and 1 more; short protein forms N120S, N111S, N57S, N53S, N84S.
Identifiers: ClinVar variation 463807 (VCV000463807.12), dbSNP rs80206158, ClinGen allele CA390031794.